The following is an entry in ClinVar:

NM_020436.5(SALL4):c.36C>G (p.Ile12Met)

Gene: SALL4 (spalt like transcription factor 4; minus strand). Cytogenetic location: 20q13.2.
Variant type: single nucleotide variant.
Coding change: c.36C>G on transcript NM_020436.5 (MANE Select); coding-DNA position 36, C replaced by G.
Protein change: p.Ile12Met; replaces isoleucine 12 with methionine.
Molecular consequence: missense variant.
Genome position (GRCh38, 1-based): chr20:51,802,373, G>C on the plus strand (C>G on the coding strand, the complement: SALL4 is on the minus strand). VCF-style: chr20-51802373-G-C. GRCh37 (hg19) VCF-style: chr20-50418912-G-C.
Other names: c.36C>G, p.Ile12Met (NM_001318031.2); short protein forms I12M.
Identifiers: ClinVar variation 1050447 (VCV001050447.1), dbSNP rs777241507, ClinGen allele CA9912575.
Genomic context (GRCh38, chr20:51,802,373, plus strand): 5'-ATCTGCAAACTCCGGGGTCTGCTGCTGCGGCTGCTGCTCGCCCTGGTCCTCCTCCGAGTT[G>C]ATGTGCTGGGGTTTCGCCTGCTTGCGCCTCGACATGGTGCGAGCATCGGGGCGCCGGGAG-3'
Protein context (NP_065169.1, residues 2-22): SRRKQAKPQH[Ile12Met]NSEEDQGEQQ

ClinVar aggregate classification (germline): Uncertain significance (0 of 4 stars; one submission).

Allele frequency attached by ClinVar (database versions not stated): gnomAD exomes below 0.00001; TOPMed below 0.00001; ExAC 0.00001.
gnomAD v4.1: 2 of 1,611,866 alleles (0.00012%); highest among the groups gnomAD compares: South Asian, 0.0022%; no homozygotes.

Submission:

Department of Pathology and Laboratory Medicine, Sinai Health System
Classification: Uncertain significance. Review status: no assertion criteria provided. Collection method: clinical testing. Allele origin: unknown. Affected: yes. Study: The Canadian Open Genetics Repository (COGR).
Comment: The SALL4 p.Ile12Met variant was not identified in the literature nor was it identified in ClinVar. The variant was identified in dbSNP (ID: rs777241507) and in control databases in 1 of 244114 chromosomes at a frequency of 0.000004096 (Genome Aggregation Database March 6, 2019, v2.1.1). The variant was observed in the South Asian population in 1 of 30550 chromosomes (freq: 0.000033), but was not observed in the African, Latino, Ashkenazi Jewish, East Asian, European (Finnish), European (non-Finnish), or Other populations. The p.Ile12 residue is conserved in mammals and computational analyses (PolyPhen-2, SIFT, AlignGVGD, BLOSUM, MutationTaster) provide inconsistent predictions regarding the impact to the protein; this information is not very predictive of pathogenicity. The variant occurs outside of the splicing consensus sequence and in silico or computational prediction software programs (SpliceSiteFinder, MaxEntScan, NNSPLICE, GeneSplicer) do not predict a difference in splicing. In summary, based on the above information the clinical significance of this variant cannot be determined with certainty at this time. This variant is classified as a variant of uncertain significance.